The following is an entry in ClinVar:

ClinVar aggregate classification (germline): Pathogenic (1 of 4 stars; one submission).

Conditions:
Aortic valve disease 1 (AOVD1). Identifiers: MedGen C3887892, MONDO:0024523, OMIM 109730.
Adams-Oliver syndrome 5 (AOS5). Identifiers: Orphanet 974, MedGen C4014970, MONDO:0014459, OMIM 616028.

Submission:

New York Genome Center
Classification: Pathogenic for Adams-Oliver syndrome 5; Aortic valve disease 1. Last evaluated: 2023-04-04. Review status: criteria provided, single submitter. Criteria: NYGC Assertion Criteria 2020. Collection method: clinical testing. Allele origin: de novo. Affected: yes. Observed: 1 variant allele, 1 heterozygote.
Comment: The c.2916dup variant in NOTCH1 has not previously been reported in the literature or public variant repositories (ClinVar and HGMD) and is absent from populationdatabases (gnomAD v2.1.1 and v3.1.2, TOPMed Freeze 8), suggesting it is not a common benign variant in the populations represented in those databases. Thec.2916dup variant in NOTCH1 is located in exon 18 of this 34-exon gene and is predicted to incorporate a premature termination codon (p.(Ala973ArgfsTer9)), and is expected to result in loss-of-function via nonsense mediated decay. Multiple loss-of-function variants that are downstream to the c.2916dup variant have been reported in the literature [PMID: 25963545, 26820064, 29924900] in individuals with NOTCH1-related disorders. The c.2916dup variant has been found at 15% VAF(7/45 reads) in this sample extracted from cultured amniotic fluid, and it might be at different levels in other tissues. Based on available evidence this de novo mosaic c.2916dup, p.(Ala973ArgfsTer9) variant identified in NOTCH1 is classified as Pathogenic.

NM_017617.5(NOTCH1):c.2916dup (p.Ala973fs)

Gene: NOTCH1 (notch receptor 1; minus strand). Cytogenetic location: 9q34.3.
Variant type: Duplication.
Coding change: c.2916dup on transcript NM_017617.5 (MANE Select); coding-DNA position 2916, one base duplicated (C; older notation c.2916dupC).
Protein change: p.Ala973fs; shifts the reading frame from alanine 973.
Molecular consequence: frameshift variant.
Genome position (GRCh38, 1-based): chr9:136,509,786, G duplicated on the plus strand (C on the coding strand, the reverse complement: NOTCH1 is on the minus strand); the first of 4 consecutive G bases (chr9:136,509,786-136,509,789); duplicating any one gives the same sequence. VCF-style (leftmost placement, unchanged base first): chr9-136509785-C-CG. GRCh37 (hg19) VCF-style: chr9-139404237-C-CG.
Other names: short protein forms A973fs.
Identifiers: ClinVar variation 4888332 (VCV004888332.1).
Genomic context (GRCh38, chr9:136,509,785, plus strand): 5'-CCGCACACCTCTCTGTGCAGTCAGGCGTGTTGTTCTCACAGTGGATCCCGCTGAAGCCTG[C>CG]GGGGCAGGTGCACGTGTAGCTGTCCACGCAGTCCGTGCAGTTGGCCCCGTTGCGGCAGGG-3'